The following is an entry in ClinVar:

NM_003978.5(PSTPIP1):c.1119+5G>C

Gene: PSTPIP1 (proline-serine-threonine phosphatase interacting protein 1; plus strand). Cytogenetic location: 15q24.3.
Variant type: single nucleotide variant.
Coding change: c.1119+5G>C on transcript NM_003978.5 (MANE Select); 5 bases into the intron after coding-DNA position 1119, G replaced by C.
Molecular consequence: intron variant.
Genome position (GRCh38, 1-based): chr15:77,035,940, G>C. VCF-style: chr15-77035940-G-C. GRCh37 (hg19) VCF-style: chr15-77328281-G-C.
Other names: c.1314+5G>C (NM_001321137.1); c.1092+5G>C (NM_001321136.2); c.1062+5G>C (NM_001321135.2).
Identifiers: ClinVar variation 885315 (VCV000885315.12), dbSNP rs756068066, ClinGen allele CA7676169.

ClinVar aggregate classification (germline): Conflicting classifications of pathogenicity. Review status: criteria provided, conflicting classifications (1 of 4 stars). 2 submissions from 2 submitters: Uncertain significance (1); Benign (1). Last evaluated 2023-06-14.

Conditions:
Pyogenic arthritis-pyoderma gangrenosum-acne syndrome (PAPA). Also called: FAMILIAL RECURRENT ARTHRITIS; PAPA SYNDROME. Identifiers: Orphanet 69126, MedGen C1858361, MONDO:0011462, OMIM 604416.

Allele frequency attached by ClinVar (database versions not stated): TOPMed 0.00002.
gnomAD v4.1: 17 of 1,592,718 alleles (0.0011%); highest among the groups gnomAD compares: Admixed American, 0.0035%; no homozygotes.

Submissions (2):

Labcorp Genetics (formerly Invitae), Labcorp
Classification: Uncertain significance for Pyogenic arthritis-pyoderma gangrenosum-acne syndrome. Last evaluated: 2023-06-14. Review status: criteria provided, single submitter. Criteria: Invitae Variant Classification Sherloc (09022015). Collection method: clinical testing. Allele origin: germline.
Comment: In summary, the available evidence is currently insufficient to determine the role of this variant in disease. Therefore, it has been classified as a Variant of Uncertain Significance. Variants that disrupt the consensus splice site are a relatively common cause of aberrant splicing (PMID: 17576681, 9536098). Algorithms developed to predict the effect of sequence changes on RNA splicing suggest that this variant is not likely to affect RNA splicing. ClinVar contains an entry for this variant (Variation ID: 885315). This variant has not been reported in the literature in individuals affected with PSTPIP1-related conditions. This variant is present in population databases (rs756068066, gnomAD 0.007%). This sequence change falls in intron 14 of the PSTPIP1 gene. It does not directly change the encoded amino acid sequence of the PSTPIP1 protein. It affects a nucleotide within the consensus splice site.

Illumina Laboratory Services, Illumina
Classification: Benign for Pyogenic arthritis-pyoderma gangrenosum-acne syndrome. Last evaluated: 2018-01-13. Review status: criteria provided, single submitter. Criteria: ICSL Variant Classification Criteria 13 December 2019. Collection method: clinical testing. Allele origin: germline.
Comment: This variant was observed in the ICSL laboratory as part of a predisposition screen in an ostensibly healthy population. It had not been previously curated by ICSL or reported in the Human Gene Mutation Database (HGMD: prior to June 1st, 2018), and was therefore a candidate for classification through an automated scoring system. Utilizing variant allele frequency, disease prevalence and penetrance estimates, and inheritance mode, an automated score was calculated to assess if this variant is too frequent to cause the disease. Based on the score and internal cut-off values, a variant classified as benign is not then subjected to further curation. The score for this variant resulted in a classification of benign for this disease.

Literature cited by the submitters: PubMed 17576681 (cited by Labcorp Genetics (formerly Invitae), Labcorp); PubMed 9536098 (cited by Labcorp Genetics (formerly Invitae), Labcorp).